The following is an entry in ClinVar:

NM_000288.4(PEX7):c.316G>A (p.Val106Ile)

Gene: PEX7 (peroxisomal biogenesis factor 7; plus strand). Cytogenetic location: 6q23.3.
Variant type: single nucleotide variant.
Coding change: c.316G>A on transcript NM_000288.4 (MANE Select); coding-DNA position 316, G replaced by A.
Protein change: p.Val106Ile; replaces valine 106 with isoleucine.
Molecular consequence: missense variant.
Genome position (GRCh38, 1-based): chr6:136,826,446, G>A. VCF-style: chr6-136826446-G-A. GRCh37 (hg19) VCF-style: chr6-137147584-G-A.
Other names: c.202G>A, p.Val68Ile (NM_001410945.1); short protein forms V106I, V68I.
Identifiers: ClinVar variation 4804121 (VCV004804121.1).

ClinVar aggregate classification (germline): Uncertain significance (1 of 4 stars; one submission).

Conditions:
Peroxisome biogenesis disorder 9B. Also called: PEX7-Related Refsum Disease; Refsum disease, adult, 2; PEROXISOME BIOGENESIS DISORDER, PEX7-RELATED, ATYPICAL. Identifiers: Orphanet 773, MedGen C2749346, MONDO:0013945, OMIM 614879.

Submission:

Labcorp Genetics (formerly Invitae), Labcorp
Classification: Uncertain significance for Peroxisome biogenesis disorder 9B. Last evaluated: 2025-05-26. Review status: criteria provided, single submitter. Criteria: Invitae Variant Classification Sherloc (09022015). Collection method: clinical testing. Allele origin: germline.
Comment: This sequence change replaces valine, which is neutral and non-polar, with isoleucine, which is neutral and non-polar, at codon 106 of the PEX7 protein (p.Val106Ile). This variant is not present in population databases (gnomAD no frequency). This variant has not been reported in the literature in individuals affected with PEX7-related conditions. An algorithm developed to predict the effect of missense changes on protein structure and function (PolyPhen-2) suggests that this variant is likely to be tolerated. In summary, the available evidence is currently insufficient to determine the role of this variant in disease. Therefore, it has been classified as a Variant of Uncertain Significance.